The following is an entry in ClinVar:

NM_007325.5(GRIA3):c.425G>A (p.Arg142His)

Gene: GRIA3 (glutamate ionotropic receptor AMPA type subunit 3; plus strand). Cytogenetic location: Xq25.
Variant type: single nucleotide variant.
Coding change: c.425G>A on transcript NM_007325.5 (MANE Select); coding-DNA position 425, G replaced by A.
Protein change: p.Arg142His; replaces arginine 142 with histidine.
Molecular consequence: missense variant.
Genome position (GRCh38, 1-based): chrX:123,253,459, G>A. VCF-style: chrX-123253459-G-A. GRCh37 (hg19) VCF-style: chrX-122387310-G-A.
Other names: c.425G>A, p.Arg142His (NM_000828.5); short protein forms R142H.
Identifiers: ClinVar variation 2573561 (VCV002573561.4), dbSNP rs763033824, ClinGen allele CA10506896.
Genomic context (GRCh38, chrX:123,253,459, plus strand): 5'-CATCCTTTGTTACGCCTAGCTTCCCCACTGACGCAGATGTGCAGTTTGTCATCCAGATGC[G>A]CCCAGCCTTGAAGGGCGCTATTCTGAGTCTTCTGGGTCATTACAAGTGGGAGAAGTTTGT-3'
Protein context (NP_015564.5, residues 132-152): DADVQFVIQM[Arg142His]PALKGAILSL

ClinVar aggregate classification (germline): Conflicting classifications of pathogenicity. Review status: criteria provided, conflicting classifications (1 of 4 stars). 2 submissions from 2 submitters: Uncertain significance (1); Likely benign (1). Last evaluated 2023-08-06.

Allele frequency attached by ClinVar (database versions not stated): TOPMed below 0.00001; gnomAD 0.00001.
gnomAD v4.1: 13 of 1,207,572 alleles (0.0011%); highest among the groups gnomAD compares: Non-Finnish European, 0.00056%; no homozygotes.

Submissions (2):

Labcorp Genetics (formerly Invitae), Labcorp
Classification: Likely benign. Last evaluated: 2023-08-06. Review status: criteria provided, single submitter. Criteria: Invitae Variant Classification Sherloc (09022015). Collection method: clinical testing. Allele origin: germline.

Women's Health and Genetics/Laboratory Corporation of America, LabCorp
Classification: Uncertain significance. Last evaluated: 2023-06-09. Review status: criteria provided, single submitter. Criteria: LabCorp Variant Classification Summary - May 2015. Collection method: clinical testing. Allele origin: germline.
Comment: Variant summary: GRIA3 c.425G>A (p.Arg142His) results in a non-conservative amino acid change located in the ligand binding region (IPR001828) of the encoded protein sequence. Four of four in-silico tools predict a damaging effect of the variant on protein function. The variant allele was found at a frequency of 3.8e-05 in 183266 control chromosomes (all female carriers; gnomAD). The available data on variant occurrences in the general population are insufficient to allow any conclusion about variant significance. To our knowledge, no occurrence of c.425G>A in individuals affected with Syndromic X-Linked Intellectual Disability 94 and no experimental evidence demonstrating its impact on protein function have been reported. No clinical diagnostic laboratories have submitted clinical-significance assessments for this variant to ClinVar after 2014. Based on the evidence outlined above, the variant was classified as uncertain significance.